The following is an entry in ClinVar:

ClinVar aggregate classification (germline): Likely benign. Review status: criteria provided, multiple submitters, no conflicts (2 of 4 stars). 3 submissions from 3 submitters: Likely benign (3). Last evaluated 2025-12-26.

Conditions:
Thrombophilia due to protein C deficiency, autosomal dominant. Also called: PROC DEFICIENCY, AUTOSOMAL DOMINANT; PROTEIN C DEFICIENCY, AUTOSOMAL DOMINANT. Identifiers: Orphanet 745, MedGen C2674321, MONDO:0008316, OMIM 176860. Disease mechanism: loss of function.

Allele frequency attached by ClinVar (database versions not stated): gnomAD 0.00002; 1000 Genomes Project 30x 0.00031; 1000 Genomes Project 0.00040.
gnomAD v4.1: 40 of 1,614,028 alleles (0.0025%); highest among the groups gnomAD compares: East Asian, 0.033%; 1 homozygote.

Submissions (3):

Labcorp Genetics (formerly Invitae), Labcorp
Classification: Likely benign for Thrombophilia due to protein C deficiency, autosomal dominant. Last evaluated: 2025-12-26. Review status: criteria provided, single submitter. Criteria: Invitae Variant Classification Sherloc (09022015). Collection method: clinical testing. Allele origin: germline.

Blueprint Genetics
Classification: Likely benign. Last evaluated: 2024-03-05. Review status: criteria provided, single submitter. Criteria: ACMG Guidelines, 2015. Collection method: clinical testing. Allele origin: germline.

Phosphorus, Inc.
Classification: Likely benign. Last evaluated: 2022-01-18. Review status: criteria provided, single submitter. Criteria: ACMG Guidelines, 2015. Collection method: clinical testing. Allele origin: germline. Inheritance: Autosomal dominant inheritance.
Comment: This synonymous variant has an entry in ClinVar (1120962) NM_000312.4 (PROC): c.810G>C (p.Leu270=) and has occurred in GnomAD with a total MAF of 0.0081% and highest MAF of 0.0812% in the East Asian population. This position is not conserved. In silico splicing algorithm was unavailable, however it is not predicted to impact splicing due to its distance from the splice site. No functional studies were performed to confirm this prediction. The variant has not occurred in literature associated with disease. Considering the above evidence, this variant has been classified as Likely Benign.

NM_000312.4(PROC):c.810G>C (p.Leu270=)

Gene: PROC (protein C, inactivator of coagulation factors Va and VIIIa; plus strand). Cytogenetic location: 2q14.3.
Variant type: single nucleotide variant.
Coding change: c.810G>C on transcript NM_000312.4 (MANE Select); coding-DNA position 810, G replaced by C.
Protein change: p.Leu270=; no amino-acid change (leucine 270 retained).
Molecular consequence: synonymous variant.
Genome position (GRCh38, 1-based): chr2:127,428,370, G>C. VCF-style: chr2-127428370-G-C. GRCh37 (hg19) VCF-style: chr2-128185946-G-C.
Other names: c.993G>C, p.Leu331= (NM_001375602.1); c.975G>C, p.Leu325= (NM_001375603.1); c.873G>C, p.Leu291= (NM_001375604.1); c.912G>C, p.Leu304= (NM_001375605.1); c.978G>C, p.Leu326= (NM_001375606.1); c.996G>C, p.Leu332= (NM_001375607.1); c.753G>C, p.Leu251= (NM_001375608.1); c.786G>C, p.Leu262= (NM_001375609.1); and 2 more.
Identifiers: ClinVar variation 1120962 (VCV001120962.11), dbSNP rs371007615, ClinGen allele CA1859462.